The following is an entry in ClinVar:

NM_001347886.2(DNAH3):c.996-4G>T

Gene: DNAH3 (dynein axonemal heavy chain 3; minus strand). Cytogenetic location: 16p12.3.
Variant type: single nucleotide variant.
Coding change: c.996-4G>T on transcript NM_001347886.2 (MANE Select); 4 bases into the intron before coding-DNA position 996, G replaced by T.
Molecular consequence: intron variant.
Genome position (GRCh38, 1-based): chr16:21,127,816, C>A on the plus strand (G>T on the coding strand, the complement: DNAH3 is on the minus strand). VCF-style: chr16-21127816-C-A. GRCh37 (hg19) VCF-style: chr16-21139137-C-A.
Other names: NC_000016.9:g.21139137C>A; c.1083-4G>T (NM_017539.2); c.996-4G>T (NM_001394581.1).
Identifiers: ClinVar variation 2646304 (VCV002646304.25), dbSNP rs191732861, ClinGen allele CA7948901.
Genomic context (GRCh38, chr16:21,127,816, plus strand): 5'-AGAGGCAATTTTCCCGCTAGTATTTCTGCTGTTCGAACAAACCTGAGGTCTCTGAATCTG[C>A]CAAAAGAGAGGGAGAAATTTCCTAAGCTAAAGAACGCTTAATAACAAATCCCGCAGGACA-3'

ClinVar aggregate classification (germline): Likely benign (1 of 4 stars; one submission).

Allele frequency attached by ClinVar (database versions not stated): 1000 Genomes Project 30x 0.00312; 1000 Genomes Project 0.00319; ExAC 0.00351; gnomAD 0.00360; TOPMed 0.00405; ESP Exome Variant Server 0.00438.
gnomAD v4.1: 8,926 of 1,613,738 alleles (0.55%); highest among the groups gnomAD compares: Non-Finnish European, 0.68%; 32 homozygotes.

Submissions (2):

CeGaT Center for Human Genetics Tuebingen
Classification: Likely benign. Last evaluated: 2024-09-01. Review status: criteria provided, single submitter. Criteria: CeGaT Center For Human Genetics Tuebingen Variant Classification Criteria Version 2. Collection method: clinical testing. Allele origin: germline. Affected: yes. Observed: 3 variant alleles.
Comment: DNAH3: BP4, BS2

Dr. Peter K. Rogan Lab, Western University
No classification provided (evidence only). Condition: Malignant tumor of esophagus. Review status: no classification provided. Collection method: in vitro. Allele origin: not applicable. Functional consequence: retained intron. Not counted in ClinVar's aggregate classification.